The following is an entry in ClinVar:

NM_199420.4(POLQ):c.1396G>A (p.Gly466Ser)

Gene: POLQ (DNA polymerase theta; minus strand). Cytogenetic location: 3q13.33.
Variant type: single nucleotide variant.
Coding change: c.1396G>A on transcript NM_199420.4 (MANE Select); coding-DNA position 1396, G replaced by A.
Protein change: p.Gly466Ser; replaces glycine 466 with serine.
Molecular consequence: missense variant.
Genome position (GRCh38, 1-based): chr3:121,519,943, C>T on the plus strand (G>A on the coding strand, the complement: POLQ is on the minus strand). VCF-style: chr3-121519943-C-T. GRCh37 (hg19) VCF-style: chr3-121238790-C-T.
Other names: short protein forms G466S.
Identifiers: ClinVar variation 3422491 (VCV003422491.1).

ClinVar aggregate classification (germline): Uncertain significance (1 of 4 stars; one submission).

Submission:

Ambry Genetics
Classification: Uncertain significance. Last evaluated: 2024-08-12. Review status: criteria provided, single submitter. Criteria: Ambry Variant Classification Scheme 2023. Collection method: clinical testing. Allele origin: germline.
Comment: The p.G466S variant (also known as c.1396G>A), located in coding exon 9 of the POLQ gene, results from a G to A substitution at nucleotide position 1396. The glycine at codon 466 is replaced by serine, an amino acid with similar properties. This amino acid position is conserved. In addition, this alteration is predicted to be tolerated by in silico analysis. Based on the available evidence, the clinical significance of this variant remains unclear.